The following is an entry in ClinVar:

NM_021930.6(RINT1):c.748C>A (p.Gln250Lys)

Gene: RINT1 (RAD50 interactor 1; plus strand). Cytogenetic location: 7q22.3.
Variant type: single nucleotide variant.
Coding change: c.748C>A on transcript NM_021930.6 (MANE Select); coding-DNA position 748, C replaced by A.
Protein change: p.Gln250Lys; replaces glutamine 250 with lysine.
Molecular consequence: missense variant. On other transcripts: 5 prime UTR variant (2), non-coding transcript variant (1), intron variant (1).
Genome position (GRCh38, 1-based): chr7:105,547,242, C>A. VCF-style: chr7-105547242-C-A. GRCh37 (hg19) VCF-style: chr7-105187689-C-A.
Other names: c.514C>A, p.Gln172Lys (NM_001346599.2); c.-272C>A (NM_001346600.2); c.-175C>A (NM_001346601.2); c.-27-2813C>A (NM_001346603.2); short protein forms Q172K, Q250K.
Identifiers: ClinVar variation 1759139 (VCV001759139.3), dbSNP rs2485123962, ClinGen allele CA368806301.

ClinVar aggregate classification (germline): Uncertain significance (1 of 4 stars; one submission).

Submission:

Ambry Genetics
Classification: Uncertain significance. Last evaluated: 2022-04-19. Review status: criteria provided, single submitter. Criteria: Ambry Variant Classification Scheme 2023. Collection method: clinical testing. Allele origin: germline.
Comment: The p.Q250K variant (also known as c.748C>A), located in coding exon 6 of the RINT1 gene, results from a C to A substitution at nucleotide position 748. The glutamine at codon 250 is replaced by lysine, an amino acid with similar properties. This amino acid position is conserved. In addition, this alteration is predicted to be tolerated by in silico analysis. Since supporting evidence is limited at this time, the clinical significance of this alteration remains unclear.